The following is an entry in ClinVar:

ClinVar aggregate classification (germline): Uncertain significance (1 of 4 stars; one submission).

gnomAD v4.1: 3 of 1,612,886 alleles (0.00019%); highest among the groups gnomAD compares: Non-Finnish European, 0.00025%; no homozygotes.

Submission:

Labcorp Genetics (formerly Invitae), Labcorp
Classification: Uncertain significance. Last evaluated: 2024-03-21. Review status: criteria provided, single submitter. Criteria: Invitae Variant Classification Sherloc (09022015). Collection method: clinical testing. Allele origin: germline.
Comment: This sequence change replaces valine, which is neutral and non-polar, with alanine, which is neutral and non-polar, at codon 432 of the NFATC1 protein (p.Val432Ala). This variant is not present in population databases (gnomAD no frequency). This variant has not been reported in the literature in individuals affected with NFATC1-related conditions. An algorithm developed to predict the effect of missense changes on protein structure and function (PolyPhen-2) suggests that this variant is likely to be tolerated. In summary, the available evidence is currently insufficient to determine the role of this variant in disease. Therefore, it has been classified as a Variant of Uncertain Significance.

NM_001278669.2(NFATC1):c.1295T>C (p.Val432Ala)

Gene: NFATC1 (nuclear factor of activated T cells 1; plus strand). Cytogenetic location: 18q23.
Variant type: single nucleotide variant.
Coding change: c.1295T>C on transcript NM_001278669.2 (MANE Select); coding-DNA position 1295, T replaced by C.
Protein change: p.Val432Ala; replaces valine 432 with alanine.
Molecular consequence: missense variant. On other transcripts: 5 prime UTR variant (2).
Genome position (GRCh38, 1-based): chr18:79,433,647, T>C. VCF-style: chr18-79433647-T-C. GRCh37 (hg19) VCF-style: chr18-77193647-T-C.
Other names: c.1295T>C, p.Val432Ala (NM_001278670.2, NM_006162.5, NM_172390.3); c.1256T>C, p.Val419Ala (NM_001278672.2, NM_001278675.2, NM_172387.3 and 1 more transcripts); c.-122T>C (NM_001278673.2, NM_172388.3); short protein forms V419A, V432A.
Identifiers: ClinVar variation 3675867 (VCV003675867.2).
Genomic context (GRCh38, chr18:79,433,647, plus strand): 5'-TGCCCGCCCTGGACTGGCAGCTGCCGTCCCACTCAGGCCCGTATGAGCTTCGGATTGAGG[T>C]GCAGCCCAAGTCCCACCACCGAGCCCACTACGAGACGGAGGGCAGCCGGGGGGCCGTGAA-3'
Protein context (NP_001265598.1, residues 422-442): HSGPYELRIE[Val432Ala]QPKSHHRAHY